The following is an entry in ClinVar:

NM_000498.3(CYP11B2):c.446_449dup (p.Pro151fs)

Genes: CYP11B2 (cytochrome P450 family 11 subfamily B member 2; minus strand), LOC106799834 (CYP11B2 recombination region; plus strand). Cytogenetic location: 8q24.3.
Variant type: Duplication.
Coding change: c.446_449dup on transcript NM_000498.3 (MANE Select); coding-DNA positions 446 to 449, 4 bases duplicated (TGTC; older notation c.446_449dupTGTC).
Protein change: p.Pro151fs; shifts the reading frame from proline 151.
Molecular consequence: frameshift variant.
Genome position (GRCh38, 1-based): chr8:142,915,192-142,915,195, GACA duplicated on the plus strand (TGTC on the coding strand, the reverse complement: CYP11B2 is on the minus strand); duplicating any 4 consecutive bases within chr8:142,915,192-142,915,196 gives the same sequence; the c. name uses the placement nearest the transcript's 3' end. VCF-style (leftmost placement, unchanged base first): chr8-142915191-C-CGACA. GRCh37 (hg19) VCF-style: chr8-143996607-C-CGACA.
Other names: c.446_449dupTGTC (NM_000498.3); short protein forms P151fs.
Identifiers: ClinVar variation 1951257 (VCV001951257.7), dbSNP rs770593140, ClinGen allele CA4906201.

ClinVar aggregate classification (germline): Pathogenic/Likely pathogenic. Review status: criteria provided, multiple submitters, no conflicts (2 of 4 stars). 3 submissions from 3 submitters: Pathogenic (1); Likely pathogenic (2). Last evaluated 2024-09-26.

Conditions:
Corticosterone methyl oxidase type II deficiency.
Corticosterone 18-monooxygenase deficiency. Also called: 18 Hydroxylase deficiency; Aldosterone deficiency due to defect in 18 hydroxylase; Aldosterone deficiency 1; 18 alpha hydroxylase deficiency; Corticosterone methyloxidase type 1 deficiency; CMO 1 deficiency. Identifiers: Orphanet 427, MedGen C0268293, MONDO:0008751, OMIM 203400. Disease mechanism: loss of function.
Corticosterone methyloxidase type 2 deficiency. Also called: 18-OXIDASE DEFICIENCY; ALDOSTERONE DEFICIENCY DUE TO DEFICIENCY OF STEROID 18-OXIDASE; ALDOSTERONE DEFICIENCY II; CMO II DEFICIENCY; STEROID 18-OXIDASE DEFICIENCY. Identifiers: Orphanet 427, MedGen C3463917, MONDO:0012524, OMIM 610600. Disease mechanism: loss of function.

Submissions (3):

Natera, Inc.
Classification: Likely pathogenic for Corticosterone methyl oxidase type II deficiency. Last evaluated: 2024-09-26. Review status: criteria provided, single submitter. Criteria: Natera Variant Classification Schema (03/2026). Collection method: clinical testing. Allele origin: germline.
Comment: The c.446_449dupTGTC variant in CYP11B2 is a frameshift variant predicted to shift the reading frame beginning at codon 151 and leads to a stop codon 109 codons downstream. This variant is expected to result in nonsense mediated decay, truncation, or a dysfunctional protein product. This variant is rare in the general population with a frequency below the threshold expected for the associated phenotype(s). Given the available evidence, this variant is classified as Likely Pathogenic.

Fulgent Genetics
Classification: Likely pathogenic for Corticosterone 18-monooxygenase deficiency; Corticosterone methyloxidase type 2 deficiency. Last evaluated: 2024-01-30. Review status: criteria provided, single submitter. Criteria: ACMG Guidelines, 2015. Collection method: clinical testing. Allele origin: germline.

Labcorp Genetics (formerly Invitae), Labcorp
Classification: Pathogenic. Last evaluated: 2023-03-22. Review status: criteria provided, single submitter. Criteria: Invitae Variant Classification Sherloc (09022015). Collection method: clinical testing. Allele origin: germline.
Comment: This sequence change creates a premature translational stop signal (p.Pro151Valfs*109) in the CYP11B2 gene. It is expected to result in an absent or disrupted protein product. Loss-of-function variants in CYP11B2 are known to be pathogenic (PMID: 20494601, 22801770, 26936515). This variant is present in population databases (rs770593140, gnomAD 0.008%). This variant has not been reported in the literature in individuals affected with CYP11B2-related conditions. ClinVar contains an entry for this variant (Variation ID: 1951257). Algorithms developed to predict the effect of sequence changes on RNA splicing suggest that this variant may create or strengthen a splice site. For these reasons, this variant has been classified as Pathogenic.

Literature cited by the submitters: PubMed 20494601 (cited by Labcorp Genetics (formerly Invitae), Labcorp); PubMed 22801770 (cited by Labcorp Genetics (formerly Invitae), Labcorp); PubMed 26936515 (cited by Labcorp Genetics (formerly Invitae), Labcorp).